The following continues an entry in ClinVar:

NM_032043.3(BRIP1):c.2392C>T (p.Arg798Ter)

Gene: BRIP1. ClinVar aggregate classification (germline): Pathogenic/Likely pathogenic. Pathogenic (48); Likely pathogenic (2). ClinVar aggregate classification (oncogenicity): Oncogenic.

Submissions 25 to 37 of 58:

Rady Children's Institute for Genomic Medicine, Rady Children's Hospital San Diego
Classification: Pathogenic for BRIP1-related disorders. Last evaluated: 2023-11-21. Review status: criteria provided, single submitter. Criteria: ACMG Guidelines, 2015. Collection method: clinical testing. Allele origin: germline. Affected: yes.
Comment: This nonsense variant found in exon 17 of 20 is predicted to result in loss of normal protein function through either protein truncation or nonsense-mediated mRNA decay. Loss-of-function variation in BRIP1 is an established mechanism of disease (PMID: 16116423, 17033622, 21964575). This is a recurrent Pathogenic variant that has been previously reported as a compound heterozygous or homozygous change in individuals with Fanconi anemia type J (FA-J) (PMID: 16116423, 16116424, 17033622, 19127258, 19763819, 24240112, 24556621, 25980754, 26822949), and was observed to cosegregate with disease (PMID: 16116423, 16116424). It has also been reported as a heterozygous change in individuals with BRIP1-related cancers, including breast, ovarian, and prostate cancers (PMID: 34585738, 32885271, 19127258, 22006311, 26822949, 26315354, 25980754, 24556621). The c.2392C>T (p.Arg798Ter) variant is present in the heterozygous state in the gnomAD population database at a frequency of 0.016% (44/278320), and is absent in the homozygous state, thus is presumed to be rare. Based on the available evidence, c.2392C>T (p.Arg798Ter) is classified as Pathogenic.

Daryl Scott Lab, Baylor College of Medicine
Classification: Pathogenic for Fanconi anemia complementation group J. Last evaluated: 2023-11-10. Review status: criteria provided, single submitter. Criteria: ACMG Guidelines, 2015. Collection method: clinical testing. Allele origin: biparental. Affected: yes. Observed: 1 homozygote.

KCCC/NGS Laboratory, Kuwait Cancer Control Center
Classification: Pathogenic for Familial cancer of breast. Last evaluated: 2023-07-04. Review status: criteria provided, single submitter. Criteria: ACMG Guidelines, 2015. Collection method: clinical testing. Allele origin: unknown. Inheritance: Autosomal dominant inheritance. Affected: yes. Observed: 1 heterozygote.
Comment: This sequence change creates a premature translational stop signal (p.Arg798*) in the BRIP1 gene. It is expected to result in an absent or disrupted protein product. Loss-of-function variants in BRIP1 are known to be pathogenic (PMID: 16116423, 17033622, 21964575). This variant is present in population databases (rs137852986, gnomAD 0.03%). This premature translational stop signal has been observed in individual(s) with Fanconi anemia (PMID: 16116423, 16116424, 17033622, 19127258, 19763819, 24240112, 24556621, 25980754, 26822949). It has also been observed to segregate with disease in related individuals. This variant is also known as 2533C>T. ClinVar contains an entry for this variant (Variation ID: 4738). For these reasons, this variant has been classified as Pathogenic.

Myriad Genetics, Inc.
Classification: Pathogenic for Familial cancer of breast. Last evaluated: 2023-03-02. Review status: criteria provided, single submitter. Criteria: Myriad Autosomal Dominant, Autosomal Recessive and X-Linked Classification Criteria (2023). Collection method: clinical testing. Allele origin: unknown.
Comment: This variant is considered pathogenic. This variant creates a termination codon and is predicted to result in premature protein truncation.

ARUP Laboratories, Molecular Genetics and Genomics, ARUP Laboratories
Classification: Pathogenic. Last evaluated: 2022-12-28. Review status: criteria provided, single submitter. Criteria: ARUP Molecular Germline Variant Investigation Process 2024. Collection method: clinical testing. Allele origin: germline.
Comment: The BRIP1 c.2392C>T; p.Arg798Ter variant (rs137852986) is reported in the literature in individuals with ovarian cancer, breast cancer, colorectal cancer, prostate cancer, medulloblastoma, or Ewing sarcoma (Brohl 2017, Leongamornlert 2014, Lhota 2016, Waszak 2018, Weber-Lassalle 2018, Yurgelun 2015). It is also reported in individuals with Fanconi anemia when found in the homozygous state or as compound heterozygous with an additional pathogenic BRIP1 variant (Levitus 2005). This variant is classified as pathogenic by multiple laboratories in ClinVar (Variation ID: 4738). It is found in the general population with an overall allele frequency of 0.02% (44/278320 alleles) in the Genome Aggregation Database. This variant induces an early termination codon and is predicted to result in a truncated protein or mRNA subject to nonsense-mediated decay. Based on available information, this variant is considered to be pathogenic. REFERENCES Brohl AS et al. Frequent inactivating germline mutations in DNA repair genes in patients with Ewing sarcoma. Genet Med. 2017 Aug;19(8):955-958. Leongamornlert D et al. Frequent germline deleterious mutations in DNA repair genes in familial prostate cancer cases are associated with advanced disease. Br J Cancer. 2014 Mar 18;110(6):1663-72. Levitus M et al. The DNA helicase BRIP1 is defective in Fanconi anemia complementation group J. Nat Genet. 2005 Sep;37(9):934-5. Lhota F et al. Hereditary truncating mutations of DNA repair and other genes in BRCA1/BRCA2/PALB2-negatively tested breast cancer patients. Clin Genet. 2016 Oct;90(4):324-33. Waszak SM et al. Spectrum and prevalence of genetic predisposition in medulloblastoma: a retrospective genetic study and prospective validation in a clinical trial cohort. Lancet Oncol. 2018 Jun;19(6):785-798. Weber-Lassalle N et al. BRIP1 loss-of-function mutations confer high risk for familial ovarian cancer, but not familial breast cancer. Breast Cancer Res. 2018 Jan 24;20(1):7. Yurgelun MB et al. Identification of a Variety of Mutations in Cancer Predisposition Genes in Patients With Suspected Lynch Syndrome. Gastroenterology. 2015 Sep;149(3):604-13.e20.

Laboratorio de Genetica e Diagnostico Molecular, Hospital Israelita Albert Einstein
Classification: Pathogenic for Fanconi anemia complementation group J. Last evaluated: 2022-12-22. Review status: criteria provided, single submitter. Criteria: ACMG Guidelines, 2015. Collection method: clinical testing. Allele origin: germline. Affected: yes. Observed: 1 variant allele.
Comment: ACMG classification criteria: PVS1 very strong, PS3 supporting, PM3 very strong

Genetics and Molecular Pathology, SA Pathology
Classification: Pathogenic for Familial cancer of breast. Last evaluated: 2022-05-12. Review status: criteria provided, single submitter. Criteria: ACMG Guidelines, 2015. Collection method: clinical testing. Allele origin: germline. Affected: yes.
Comment: The BRIP1 c.2392C>T variant is classified as Pathogenic (PVS1, PS4, PM3)

Dasa
Classification: Pathogenic for BRIP1-related disorder. Last evaluated: 2022-04-10. Review status: criteria provided, single submitter. Criteria: ACMG Guidelines, 2015. Collection method: clinical testing. Allele origin: germline. Affected: yes. Observed: 1 variant allele.
Comment: The c.2392C>T;p.(Arg798*) variant creates a premature translational stop signal in the BRIP1 gene. It is expected to result in an absent or disrupted protein product -PVS1. This sequence change has been observed in affected individual(s) and ClinVar contains an entry for this variant (ClinVar ID: 4738; PMID: 16116423; 16116424; 17033622; 19127258; 19763819; 24240112; 24556621; 25980754; 26822949; 26968956) - PS4. The variant is present at low allele frequencies population databases (rs137852986 – gnomAD 0.001581%; ABraOM no frequency) - PM2_supporting. The p.(Arg798*) was detected in trans with a pathogenic variant (PMID: 16116423; 16116424; 26968956). PM3. The variant co-segregated with disease in multiple affected family members (PMID: 16116423; 16116424) - PP1. In summary, the currently available evidence indicates that the variant is pathogenic.

Greenwood Genetic Center Diagnostic Laboratories, Greenwood Genetic Center
Classification: Pathogenic for Fanconi anemia complementation group J. Last evaluated: 2022-04-06. Review status: criteria provided, single submitter. Criteria: ACMG Guidelines, 2015. Collection method: clinical testing. Allele origin: germline.
Comment: PVS1, PM3_Strong

St. Jude Molecular Pathology, St. Jude Children's Research Hospital
Classification: Pathogenic for Fanconi anemia complementation group J. Last evaluated: 2022-03-31. Review status: criteria provided, single submitter. Criteria: St. Jude Assertion Criteria 2020. Collection method: clinical testing. Allele origin: germline.
Comment: The BRIP1 c.2392C>T (p.Arg798Ter) change is a nonsense variant that is predicted to cause premature protein truncation and loss of normal protein function (PVS1). This variant has been reported in the homozygous or compound heterozygous state in multiple individuals with Fanconi anemia (PM3; PMID: 16116423, 16116424). It has also been reported in the heterozygous state in individuals and families with breast cancer (PMID: 17033622, 19763819, 26822949), prostate cancer (PMID: 19127258, 24556621), and ovarian cancer (PMID: 24240112). This variant has a maximum subpopulation frequency of 0.027% in gnomAD v2.1.1. In summary, this variant meets criteria to be classified as pathogenic based on the ACMG/AMP criteria: PVS1, PM3.

Revvity Omics, Revvity
Classification: Pathogenic for Fanconi anemia complementation group J. Last evaluated: 2022-01-06. Review status: criteria provided, single submitter. Criteria: ACMG Guidelines, 2015. Collection method: clinical testing. Allele origin: germline.

Sema4
Classification: Pathogenic for Hereditary cancer-predisposing syndrome. Last evaluated: 2021-08-03. Review status: criteria provided, single submitter. Criteria: Sema4 Curation Guidelines. Collection method: curation. Allele origin: germline.
Comment: The BRIP1 c.2392C>T (p.R798X) variant has been reported in heterozygosity in at least 7 individuals with breast cancer, ovarian cancer, or prostate cancer, and in compound heterozygosity or homozygosity in at least 4 patients with Fanconi Anemia complementation group J (PMID: 17033622, 22006311, 2455662, 16116423). This nonsense variant creates a premature stop codon at residue 798 of the BRIP1 protein. This variant is predicted to cause loss of normal protein function either through protein truncation or nonsense-mediated mRNA decay. Loss of function variants in BRIP1 are known to be pathogenic (PMID: 21964575). This variant was observed in 34/127388 chromosomes in the Non-Finnish European population, with no homozygotes, according to the Genome Aggregation Database. The variant has been reported in ClinVar (Variation ID: 4738). Based on the current evidence available, this variant is interpreted as pathogenic.

CHEO Genetics Diagnostic Laboratory, Children's Hospital of Eastern Ontario
Classification: Pathogenic for Breast and/or ovarian cancer. Last evaluated: 2021-06-22. Review status: criteria provided, single submitter. Criteria: ACMG Guidelines, 2015. Collection method: clinical testing. Allele origin: germline.